The following is an entry in ClinVar:

NM_000203.5(IDUA):c.230T>C (p.Val77Ala)

Genes: IDUA (alpha-L-iduronidase; plus strand), SLC26A1 (solute carrier family 26 member 1; minus strand). Cytogenetic location: 4p16.3.
Variant type: single nucleotide variant.
Coding change: c.230T>C on transcript NM_000203.5 (MANE Select); coding-DNA position 230, T replaced by C.
Protein change: p.Val77Ala; replaces valine 77 with alanine.
Molecular consequence: missense variant. On other transcripts: 3 prime UTR variant (2), non-coding transcript variant (1), intron variant (1).
Genome position (GRCh38, 1-based): chr4:987,880, T>C. VCF-style: chr4-987880-T-C. GRCh37 (hg19) VCF-style: chr4-981668-T-C.
Other names: c.*953A>G (NM_022042.4, NM_213613.4); c.576+3248A>G (NM_134425.4); short protein forms V77A.
Identifiers: ClinVar variation 1364088 (VCV001364088.5), dbSNP rs1560532674, ClinGen allele CA355946413.

ClinVar aggregate classification (germline): Uncertain significance (1 of 4 stars; one submission).

Conditions:
Mucopolysaccharidosis type 1. Also called: IDUA deficiency; MPS I. Identifiers: Orphanet 579, MedGen C0023786, MONDO:0001586.

Allele frequency attached by ClinVar (database versions not stated): gnomAD exomes below 0.00001.

Submission:

Labcorp Genetics (formerly Invitae), Labcorp
Classification: Uncertain significance for Mucopolysaccharidosis type 1. Last evaluated: 2021-08-31. Review status: criteria provided, single submitter. Criteria: Invitae Variant Classification Sherloc (09022015). Collection method: clinical testing. Allele origin: germline.
Comment: This sequence change replaces valine with alanine at codon 77 of the IDUA protein (p.Val77Ala). The valine residue is weakly conserved and there is a small physicochemical difference between valine and alanine. This variant is not present in population databases (ExAC no frequency). This variant has not been reported in the literature in individuals affected with IDUA-related conditions. Advanced modeling of protein sequence and biophysical properties (such as structural, functional, and spatial information, amino acid conservation, physicochemical variation, residue mobility, and thermodynamic stability) performed at Invitae indicates that this missense variant is expected to disrupt IDUA protein function. In summary, the available evidence is currently insufficient to determine the role of this variant in disease. Therefore, it has been classified as a Variant of Uncertain Significance.